The following is an entry in ClinVar:

NM_021096.4(CACNA1I):c.1291C>T (p.Pro431Ser)

Gene: CACNA1I (calcium voltage-gated channel subunit alpha1 I; plus strand). Cytogenetic location: 22q13.1.
Variant type: single nucleotide variant.
Coding change: c.1291C>T on transcript NM_021096.4 (MANE Select); coding-DNA position 1291, C replaced by T.
Protein change: p.Pro431Ser; replaces proline 431 with serine.
Molecular consequence: missense variant.
Genome position (GRCh38, 1-based): chr22:39,646,710, C>T. VCF-style: chr22-39646710-C-T. GRCh37 (hg19) VCF-style: chr22-40042715-C-T.
Other names: c.1291C>T, p.Pro431Ser (NM_001003406.2); short protein forms P431S.
Identifiers: ClinVar variation 2636414 (VCV002636414.1), dbSNP rs1489978770, ClinGen allele CA411641655.
Genomic context (GRCh38, chr22:39,646,710, plus strand): 5'-CTGATGCTGGAGCAGCGGCAGCGCTACCTGTCCTCCAGCACGGTGGCCAGCTACGCCGAG[C>T]CTGGCGACTGCTACGAGGAGATCTTCCAGTATGTCTGCCACATCCTGCGCAAGGCCAAGC-3'
Protein context (NP_066919.2, residues 421-441): SSSTVASYAE[Pro431Ser]GDCYEEIFQY

ClinVar aggregate classification (germline): Uncertain significance (1 of 4 stars; one submission).

Conditions:
CACNA1I-related disorder. Also called: CACNA1I-related condition.

Allele frequency attached by ClinVar (database versions not stated): gnomAD exomes below 0.00001.
gnomAD v4.1: 2 of 1,596,486 alleles (0.00013%); highest among the groups gnomAD compares: Non-Finnish European, 0.00017%; no homozygotes.

Submission:

PreventionGenetics, part of Exact Sciences
Classification: Uncertain significance for CACNA1I-related condition. Last evaluated: 2022-12-07. Review status: criteria provided, single submitter. Criteria: ACMG Guidelines, 2015. Collection method: clinical testing. Allele origin: germline.
Comment: The CACNA1I c.1291C>T variant is predicted to result in the amino acid substitution p.Pro431Ser. To our knowledge, this variant has not been reported in the literature or in a large population database, indicating this variant is rare. At this time, the clinical significance of this variant is uncertain due to the absence of conclusive functional and genetic evidence.